The following is an entry in ClinVar:

NM_153676.4(USH1C):c.2611G>A (p.Ala871Thr)

Gene: USH1C (USH1 protein network component harmonin; minus strand). Cytogenetic location: 11p15.1.
Variant type: single nucleotide variant.
Coding change: c.2611G>A on transcript NM_153676.4 (MANE Select); coding-DNA position 2611, G replaced by A.
Protein change: p.Ala871Thr; replaces alanine 871 with threonine.
Molecular consequence: missense variant. On other transcripts: intron variant (2).
Genome position (GRCh38, 1-based): chr11:17,495,613, C>T on the plus strand (G>A on the coding strand, the complement: USH1C is on the minus strand). VCF-style: chr11-17495613-C-T. GRCh37 (hg19) VCF-style: chr11-17517160-C-T.
Other names: p.A871T:GCT>ACT; c.1589+1145G>A (NM_001297764.2); c.1646+1145G>A (NM_005709.4); short protein forms A871T.
Identifiers: ClinVar variation 48009 (VCV000048009.56), dbSNP rs56165709, ClinGen allele CA142361.
Genomic context (GRCh38, chr11:17,495,613, plus strand): 5'-CCGCCTGCCTATTCACCGTGGGCTCCAGCTGCAGGAGGAACCCGTGTCTGTGCACGGCAG[C>T]ACGGTCTTCAAGGAGCTTTCGGACCGGTTGGGGGCTTTCAGCTACGGAGGAGGGAAGAGA-3'
Protein context (NP_710142.1, residues 861-881): QPVRKLLEDR[Ala871Thr]AVHRHGFLLQ

ClinVar aggregate classification (germline): Conflicting classifications of pathogenicity. Review status: criteria provided, conflicting classifications (1 of 4 stars). 9 submissions from 9 submitters: Uncertain significance (2); Benign (3); Likely benign (3). 1 of the submissions does not count toward it. Last evaluated 2026-09-01.

Conditions:
USH1C-related disorder. Also called: USH1C-related condition.
Usher syndrome type 1C. Also called: USHER SYNDROME, TYPE I, ACADIAN VARIETY. Identifiers: Orphanet 231169, Orphanet 886, MedGen C1848604, MONDO:0010171, OMIM 276904.
Autosomal recessive nonsyndromic hearing loss 18A. Also called: Deafness, autosomal recessive 18A; DEAFNESS, AUTOSOMAL RECESSIVE 18. Identifiers: Orphanet 90636, MedGen C1865870, MONDO:0011192, OMIM 602092.

Allele frequency attached by ClinVar (database versions not stated): 1000 Genomes Project 30x 0.00265; ExAC 0.00293; gnomAD exomes 0.00313 and 0.00556; gnomAD 0.00336 and 0.00327; TOPMed 0.00359; 1000 Genomes Project 0.00240; ESP Exome Variant Server 0.00370.
gnomAD v4.1: 8,539 of 1,614,210 alleles (0.53%); highest among the groups gnomAD compares: Non-Finnish European, 0.66%; 21 homozygotes.

Submissions (9):

CeGaT Center for Human Genetics Tuebingen
Classification: Likely benign. Last evaluated: 2026-09-01. Review status: criteria provided, single submitter. Criteria: CeGaT Center For Human Genetics Tuebingen Variant Classification Criteria Version 2. Collection method: clinical testing. Allele origin: germline. Affected: yes. Observed: 14 variant alleles.
Comment: USH1C: BP4, BS2

Blueprint Genetics
Classification: Likely benign. Last evaluated: 2024-11-12. Review status: criteria provided, single submitter. Criteria: ACMG Guidelines, 2015. Collection method: clinical testing. Allele origin: germline.

Labcorp Genetics (formerly Invitae), Labcorp
Classification: Likely benign. Last evaluated: 2024-02-09. Review status: criteria provided, single submitter. Criteria: Invitae Variant Classification Sherloc (09022015). Collection method: clinical testing. Allele origin: germline.

Myriad Genetics, Inc.
Classification: Uncertain significance for Usher syndrome type 1C. Last evaluated: 2021-10-01. Review status: criteria provided, single submitter. Criteria: Myriad Women's Health Autosomal Recessive and X-Linked Classification Criteria (2021). Collection method: clinical testing. Allele origin: unknown.
Comment: NM_005709.3(USH1C):c.1646+1145G>A is an intronic variant classified as a variant of uncertain significance in the context of USH1C-related disorders. c.1646+1145G>A has been observed in cases with relevant disease (PMID: 24416283, 25333064). Functional assessments of this variant are not available in the literature. c.1646+1145G>A has been observed in population frequency databases (gnomAD: NFE 0.53%). In summary, there is insufficient evidence to classify NM_005709.3(USH1C):c.1646+1145G>A as pathogenic or benign. Please note: this variant was assessed in the context of healthy population screening.

Baylor Genetics
Classification: Uncertain significance for Autosomal recessive nonsyndromic hearing loss 18A. Last evaluated: 2020-12-18. Review status: criteria provided, single submitter. Criteria: ACMG Guidelines, 2015. Collection method: clinical testing. Allele origin: unknown. Affected: yes.
Comment: This variant was determined to be of uncertain significance according to ACMG Guidelines, 2015 [PMID:25741868].

Eurofins Ntd Llc (ga)
Classification: Benign. Last evaluated: 2016-09-19. Review status: criteria provided, single submitter. Criteria: EGL Classification Definitions 2015. Collection method: clinical testing. Allele origin: germline. Observed: 1 variant allele, 1 heterozygote.

GeneDx
Classification: Benign. Last evaluated: 2013-05-13. Review status: criteria provided, single submitter. Criteria: GeneDx Variant Classification (06012015). Collection method: clinical testing. Allele origin: germline. Affected: yes.
Comment: This variant is considered likely benign or benign based on one or more of the following criteria: it is a conservative change, it occurs at a poorly conserved position in the protein, it is predicted to be benign by multiple in silico algorithms, and/or has population frequency not consistent with disease.

Laboratory for Molecular Medicine, Mass General Brigham Personalized Medicine
Classification: Benign. Last evaluated: 2012-05-15. Review status: criteria provided, single submitter. Criteria: LMM Criteria. Collection method: clinical testing. Allele origin: germline. Observed: 14 variant alleles.
Comment: Ala871Thr in Exon 26 of USH1C: This variant is not expected to have clinical sig nificance because it has been identified in 0.5% (35/7020) of European American chromosomes from a broad population by the NHLBI Exome Sequencing Project (dbSNP rs56165709). In addition, this variant has be en reported in one individual with Usher type 1 who carried two other truncating USH1C variants assumed to explain disease, one in cis with Ala871Thr (Zwaenepoe le 2001).

PreventionGenetics, part of Exact Sciences
Classification: Likely benign for USH1C-related condition. Last evaluated: 2019-06-17. Review status: no assertion criteria provided. Collection method: clinical testing. Allele origin: germline. Not counted in ClinVar's aggregate classification.
Comment: This variant is classified as likely benign based on ACMG/AMP sequence variant interpretation guidelines (Richards et al. 2015 PMID: 25741868, with internal and published modifications).

Literature cited by the submitters: PubMed 25333064 (cited by Myriad Genetics, Inc.); PubMed 24416283 (cited by Myriad Genetics, Inc.); PubMed 11139240 (cited by Laboratory for Molecular Medicine, Mass General Brigham Personalized Medicine).